The following is an entry in ClinVar:

ClinVar aggregate classification (germline): Pathogenic (1 of 4 stars; one submission).

Conditions:
Kennedy disease (SMAX1). Also called: SPINAL AND BULBAR MUSCULAR ATROPHY, X-LINKED 1; KENNEDY SPINAL AND BULBAR MUSCULAR ATROPHY; Spinal and Bulbar Muscular Atrophy. Identifiers: Orphanet 481, MedGen C1839259, MONDO:0010735, OMIM 313200.
Androgen resistance syndrome (AIS). Also called: DHTR DEFICIENCY; DIHYDROTESTOSTERONE RECEPTOR DEFICIENCY; ANDROGEN RECEPTOR DEFICIENCY; TESTICULAR FEMINIZATION SYNDROME; Androgen insensitivity syndrome; Androgen insensitivity. Identifiers: Orphanet 754, Orphanet 99429, MedGen C0039585, MONDO:0019154, OMIM 300068. Disease mechanism: loss of function.

Submission:

Labcorp Genetics (formerly Invitae), Labcorp
Classification: Pathogenic for Kennedy disease; Androgen resistance syndrome. Last evaluated: 2023-08-20. Review status: criteria provided, single submitter. Criteria: Invitae Variant Classification Sherloc (09022015). Collection method: clinical testing. Allele origin: germline.
Comment: For these reasons, this variant has been classified as Pathogenic. This variant has not been reported in the literature in individuals affected with AR-related conditions. This variant is not present in population databases (gnomAD no frequency). This sequence change creates a premature translational stop signal (p.Tyr835*) in the AR gene. It is expected to result in an absent or disrupted protein product. Loss-of-function variants in AR are known to be pathogenic (PMID: 19463997).

Literature cited by the submitters: PubMed 19463997.

NM_000044.6(AR):c.2505del (p.Asn834_Tyr835insTer)

Gene: AR (androgen receptor; plus strand). Cytogenetic location: Xq12.
Variant type: Deletion.
Coding change: c.2505del on transcript NM_000044.6 (MANE Select); coding-DNA position 2505, one base deleted (C; older notation c.2505delC).
Protein change: p.Asn834_Tyr835insTer.
Molecular consequence: nonsense. On other transcripts: frameshift variant (1).
Genome position (GRCh38, 1-based): chrX:67,722,882, C deleted. VCF-style (leftmost placement, unchanged base first): chrX-67722881-AC-A. GRCh37 (hg19) VCF-style: chrX-66942723-AC-A.
Other names: c.909del, p.Asn302_Tyr303insTer (NM_001011645.3); c.2508delC, p.Tyr836Terfs (NM_001424175.1).
Identifiers: ClinVar variation 2951162 (VCV002951162.3), dbSNP rs2519842626, ClinGen allele CA2740092182.